The following is an entry in ClinVar:

ClinVar aggregate classification (germline): Uncertain significance (1 of 4 stars; one submission).

Submission:

CeGaT Center for Human Genetics Tuebingen
Classification: Uncertain significance. Last evaluated: 2023-11-01. Review status: criteria provided, single submitter. Criteria: CeGaT Center For Human Genetics Tuebingen Variant Classification Criteria Version 2. Collection method: clinical testing. Allele origin: germline. Affected: yes. Observed: 1 variant allele.
Comment: TRPM4: PM2, BP4

NM_017636.4(TRPM4):c.2522C>T (p.Ala841Val)

Gene: TRPM4 (transient receptor potential cation channel subfamily M member 4; plus strand). Cytogenetic location: 19q13.33.
Variant type: single nucleotide variant.
Coding change: c.2522C>T on transcript NM_017636.4 (MANE Select); coding-DNA position 2522, C replaced by T.
Protein change: p.Ala841Val; replaces alanine 841 with valine.
Molecular consequence: missense variant. On other transcripts: intron variant (1).
Genome position (GRCh38, 1-based): chr19:49,196,751, C>T. VCF-style: chr19-49196751-C-T. GRCh37 (hg19) VCF-style: chr19-49700008-C-T.
Other names: c.2177C>T, p.Ala726Val (NM_001321281.2); c.914C>T, p.Ala305Val (NM_001321282.2); c.2000C>T, p.Ala667Val (NM_001321283.2); c.1460C>T, p.Ala487Val (NM_001321285.2); c.2211-3549C>T (NM_001195227.2); short protein forms A305V, A487V, A667V, A726V, A841V.
Identifiers: ClinVar variation 2672783 (VCV002672783.23), dbSNP rs2514179995, ClinGen allele CA406809400.